The following is an entry in ClinVar:

ClinVar aggregate classification (germline): Uncertain significance (1 of 4 stars; one submission).

Conditions:
Polycystic kidney disease, adult type (PKD1). Also called: Polycystic Kidney Disease 1, Autosomal Dominant; Polycystic kidney disease 1; Polycystic kidney disease 1, severe; Polycystic Kidney, Autosomal Dominant; POLYCYSTIC KIDNEY DISEASE 1 WITH OR WITHOUT POLYCYSTIC LIVER DISEASE; POLYCYSTIC KIDNEY DISEASE, ADULT, TYPE I. Identifiers: MedGen C3149841, MONDO:0008263, OMIM 173900.

Allele frequency attached by ClinVar (database versions not stated): gnomAD exomes below 0.00001.
gnomAD v4.1: 1 of 1,612,768 alleles (0.000062%); highest among the groups gnomAD compares: Non-Finnish European, 0.000085%; no homozygotes.

Submission:

Victorian Clinical Genetics Services, Murdoch Childrens Research Institute
Classification: Uncertain significance for Polycystic kidney disease, adult type. Last evaluated: 2021-05-06. Review status: criteria provided, single submitter. Criteria: ACMG Guidelines, 2015. Collection method: clinical testing. Allele origin: germline. Inheritance: Autosomal dominant inheritance. Affected: yes.
Comment: Based on the classification scheme VCGS_Germline_v1.3.4, this variant is classified as VUS-3A. Following criteria are met: 0102 - Loss of function is a known mechanism of disease in this gene and is associated with Polycystic kidney disease 1 (MIM#173900). (I) 0107 - This gene is associated with autosomal dominant disease. Polycystic kidney disease 1 (MIM#173900) is predominantly caused by monoallelic variants, with rare reports of biallelic variants causing disease (OMIM). (I) 0212 - Non-canonical splice site variant without proven consequence on splicing (no functional evidence available). (SP) 0251 - This variant is heterozygous. (I) 0301 - Variant is absent from gnomAD (both v2 and v3). (SP) 0505 - Abnormal splicing is predicted by in silico tools and affected nucleotide is highly conserved. (SP) 0705 - No comparable noncanonical splice variants have previous evidence for pathogenicity. (I) 0807 - This variant has no previous evidence of pathogenicity. (I) 0905 - No published segregation evidence has been identified for this variant. (I) 1007 - No published functional evidence has been identified for this variant. (I) Legend: (SP) - Supporting pathogenic, (I) - Information, (SB) - Supporting benign

NM_001009944.3(PKD1):c.11411+5G>A

Genes: PKD1 (polycystin 1, transient receptor potential channel interacting; minus strand), PKD1-AS1 (PKD1 antisense RNA 1; plus strand). Cytogenetic location: 16p13.3.
Variant type: single nucleotide variant.
Coding change: c.11411+5G>A on transcript NM_001009944.3 (MANE Select); 5 bases into the intron after coding-DNA position 11411, G replaced by A.
Molecular consequence: intron variant.
Genome position (GRCh38, 1-based): chr16:2,092,042, C>T on the plus strand (G>A on the coding strand, the complement: PKD1 is on the minus strand). VCF-style: chr16-2092042-C-T. GRCh37 (hg19) VCF-style: chr16-2142043-C-T.
Other names: c.11408+5G>A (NM_000296.4).
Identifiers: ClinVar variation 1804909 (VCV001804909.1), dbSNP rs2544624169, ClinGen allele CA923726142.